The following is an entry in ClinVar:

ClinVar aggregate classification (germline): Uncertain significance. Review status: criteria provided, multiple submitters, no conflicts (2 of 4 stars). 4 submissions from 4 submitters: Uncertain significance (4). Last evaluated 2024-11-16.

Conditions:
Pitt-Hopkins-like syndrome 2 (PTHSL2). Identifiers: Orphanet 221150, Orphanet 600663, MedGen C3280479, MONDO:0013690, OMIM 614325.

Allele frequency attached by ClinVar (database versions not stated): gnomAD exomes 0.00002 and 0.00003; gnomAD 0.00004 and 0.00006; TOPMed 0.00005; ESP Exome Variant Server 0.00008; ExAC 0.00012; 1000 Genomes Project 30x 0.00031; 1000 Genomes Project 0.00040.
gnomAD v4.1: 43 of 1,574,728 alleles (0.0027%); highest among the groups gnomAD compares: African/African-American, 0.02%; no homozygotes.

Submissions (4):

Labcorp Genetics (formerly Invitae), Labcorp
Classification: Uncertain significance for Pitt-Hopkins-like syndrome 2. Last evaluated: 2024-11-16. Review status: criteria provided, single submitter. Criteria: Invitae Variant Classification Sherloc (09022015). Collection method: clinical testing. Allele origin: germline.
Comment: This sequence change replaces asparagine, which is neutral and polar, with serine, which is neutral and polar, at codon 294 of the NRXN1 protein (p.Asn294Ser). This variant is present in population databases (rs141903943, gnomAD 0.02%). This variant has not been reported in the literature in individuals affected with NRXN1-related conditions. ClinVar contains an entry for this variant (Variation ID: 197185). An algorithm developed to predict the effect of missense changes on protein structure and function (PolyPhen-2) suggests that this variant is likely to be tolerated. In summary, the available evidence is currently insufficient to determine the role of this variant in disease. Therefore, it has been classified as a Variant of Uncertain Significance.

Blueprint Genetics
Classification: Uncertain significance. Last evaluated: 2024-09-04. Review status: criteria provided, single submitter. Criteria: ACMG Guidelines, 2015. Collection method: clinical testing. Allele origin: germline.

Genetic Services Laboratory, University of Chicago
Classification: Uncertain significance. Last evaluated: 2017-12-29. Review status: criteria provided, single submitter. Criteria: ACMG Guidelines, 2015. Collection method: clinical testing. Allele origin: germline. Affected: no.

Eurofins Ntd Llc (ga)
Classification: Uncertain significance. Last evaluated: 2015-02-14. Review status: criteria provided, single submitter. Criteria: EGL Classification Definitions 2015. Collection method: clinical testing. Allele origin: germline. Observed: 2 variant alleles, 2 heterozygotes.

NM_001330078.2(NRXN1):c.782A>G (p.Asn261Ser)

Gene: NRXN1 (neurexin 1; minus strand). Cytogenetic location: 2p16.3.
Variant type: single nucleotide variant.
Coding change: c.782A>G on transcript NM_001330078.2 (MANE Select); coding-DNA position 782, A replaced by G.
Protein change: p.Asn261Ser; replaces asparagine 261 with serine.
Molecular consequence: missense variant. On other transcripts: intron variant (6).
Genome position (GRCh38, 1-based): chr2:50,925,946, T>C on the plus strand (A>G on the coding strand, the complement: NRXN1 is on the minus strand). VCF-style: chr2-50925946-T-C. GRCh37 (hg19) VCF-style: chr2-51153084-T-C.
Other names: c.881A>G, p.Asn294Ser (NM_001135659.3); c.782A>G, p.Asn261Ser (NM_001330077.2, NM_001330081.2, NM_001330082.2 and 6 more transcripts); c.779A>G, p.Asn260Ser (NM_001330079.2, NM_001330093.2); c.772+101556A>G (NM_001330096.2, NM_001330087.2, NM_001330083.2 and 1 more transcripts); c.773-3259A>G (NM_001330088.2, NM_001330089.2); short protein forms N294S, N260S, N261S.
Identifiers: ClinVar variation 197185 (VCV000197185.15), dbSNP rs141903943, ClinGen allele CA245179.